The following is an entry in ClinVar:

NM_030632.3(ASXL3):c.5486del (p.Lys1829fs)

Gene: ASXL3 (ASXL transcriptional regulator 3; plus strand). Cytogenetic location: 18q12.1.
Variant type: Deletion.
Coding change: c.5486del on transcript NM_030632.3 (MANE Select); coding-DNA position 5486, one base deleted (A; older notation c.5486delA).
Protein change: p.Lys1829fs; shifts the reading frame from lysine 1829.
Molecular consequence: frameshift variant.
Genome position (GRCh38, 1-based): chr18:33,745,334, A deleted; the last of 5 consecutive A bases (chr18:33,745,330-33,745,334); deleting any one gives the same sequence. VCF-style (leftmost placement, unchanged base first): chr18-33745329-CA-C. GRCh37 (hg19) VCF-style: chr18-31325293-CA-C.
Other names: short protein forms K1829fs.
Identifiers: ClinVar variation 280612 (VCV000280612.2), dbSNP rs886041785, ClinGen allele CA10603621.

ClinVar aggregate classification (germline): Pathogenic (1 of 4 stars; one submission).

Submission:

GeneDx
Classification: Pathogenic. Last evaluated: 2016-05-16. Review status: criteria provided, single submitter. Criteria: GeneDx Variant Classification (06012015). Collection method: clinical testing. Allele origin: germline. Affected: yes.
Comment: The c.5486delA pathogenic variant in the ASXL3 gene has not been reported previously as a pathogenic variant nor as a benign variant, to our knowledge. The c.5486delA variant causes a frameshift starting with codon Lysine 1829, changes this amino acid to an Arginine residue, and creates a premature Stop codon at position 3 of the new reading frame, denoted p.Lys1829ArgfsX3. This variant is predicted to cause loss of normal protein function through protein truncation. The c.5486delA variant was not observed in approximately 6,000 individuals of European and African American ancestry in the NHLBI Exome Sequencing Project, indicating it is not a common benign variant in these populations. We interpret c.5486delA as a pathogenic variant.